The following is an entry in ClinVar:

NM_000455.5(STK11):c.30C>T (p.Gly10=)

Gene: STK11 (serine/threonine kinase 11; plus strand). Cytogenetic location: 19p13.3.
Variant type: single nucleotide variant.
Coding change: c.30C>T on transcript NM_000455.5 (MANE Select); coding-DNA position 30, C replaced by T.
Protein change: p.Gly10=; no amino-acid change (glycine 10 retained).
Molecular consequence: synonymous variant.
Genome position (GRCh38, 1-based): chr19:1,206,943, C>T. VCF-style: chr19-1206943-C-T. GRCh37 (hg19) VCF-style: chr19-1206942-C-T.
Identifiers: ClinVar variation 480724 (VCV000480724.12), dbSNP rs876660012, ClinGen allele CA504706077.

ClinVar aggregate classification (germline): Conflicting classifications of pathogenicity. Review status: criteria provided, conflicting classifications (1 of 4 stars). 3 submissions from 3 submitters: Uncertain significance (1); Benign (1); Likely benign (1). Last evaluated 2025-03-24.

Conditions:
Hereditary cancer-predisposing syndrome. Also called: Hereditary neoplastic syndrome; Neoplastic Syndromes, Hereditary; Tumor predisposition; Hereditary Cancer Syndrome. Identifiers: Orphanet 140162, MedGen C0027672, MeSH D009386, MONDO:0015356.
Peutz-Jeghers syndrome (PJS). Also called: POLYPOSIS, HAMARTOMATOUS INTESTINAL; POLYPS-AND-SPOTS SYNDROME; Peutz-Jeghers polyposis; Periorificial lentiginosis syndrome. Identifiers: Orphanet 2869, MedGen C0031269, MeSH D010580, MONDO:0008280, OMIM 175200.

Submissions (3):

Myriad Genetics, Inc.
Classification: Benign for Peutz-Jeghers syndrome. Last evaluated: 2025-03-24. Review status: criteria provided, single submitter. Criteria: Myriad Autosomal Dominant, Autosomal Recessive and X-Linked Classification Criteria (2023). Collection method: clinical testing. Allele origin: unknown.
Comment: This variant is considered benign. This variant is a silent/synonymous amino acid change and it is not expected to impact splicing.

Labcorp Genetics (formerly Invitae), Labcorp
Classification: Uncertain significance for Peutz-Jeghers syndrome. Last evaluated: 2021-07-17. Review status: criteria provided, single submitter. Criteria: Invitae Variant Classification Sherloc (09022015). Collection method: clinical testing. Allele origin: germline.
Comment: ClinVar contains an entry for this variant (Variation ID: 480724). In summary, the available evidence is currently insufficient to determine the role of this variant in disease. Therefore, it has been classified as a Variant of Uncertain Significance. Algorithms developed to predict the effect of sequence changes on RNA splicing suggest that this variant may create or strengthen a splice site. This variant has not been reported in the literature in individuals affected with STK11-related conditions. This variant is not present in population databases (ExAC no frequency). This sequence change affects codon 10 of the STK11 mRNA. It is a 'silent' change, meaning that it does not change the encoded amino acid sequence of the STK11 protein.

Ambry Genetics
Classification: Likely benign for Hereditary cancer-predisposing syndrome. Last evaluated: 2016-06-10. Review status: criteria provided, single submitter. Criteria: Ambry Variant Classification Scheme 2023. Collection method: clinical testing. Allele origin: germline.